The following is an entry in ClinVar:

NM_006767.4(LZTR1):c.320+1del

Gene: LZTR1 (leucine zipper like post translational regulator 1; plus strand). Cytogenetic location: 22q11.21.
Variant type: Deletion.
Coding change: c.320+1del on transcript NM_006767.4 (MANE Select); the canonical splice donor site of the intron after coding-DNA position 320, one base deleted (G; older notation c.320+1delG).
Molecular consequence: splice donor variant.
Genome position (GRCh38, 1-based): chr22:20,985,898, G deleted; the last of 2 consecutive G bases (chr22:20,985,897-20,985,898); deleting either gives the same sequence. VCF-style (leftmost placement, unchanged base first): chr22-20985896-AG-A. GRCh37 (hg19) VCF-style: chr22-21340185-AG-A.
Other names: c.320del (NM_006767.4).
Identifiers: ClinVar variation 634827 (VCV000634827.2), dbSNP rs1569153870, ClinGen allele CA913191256.

ClinVar aggregate classification (germline): Pathogenic (1 of 4 stars; one submission).

Conditions:
LZTR1-related schwannomatosis. Also called: Schwannomatosis 2; Schwannomatosis-2, susceptibility to. Identifiers: Orphanet 93921, MedGen C3810283, MONDO:0014299, OMIM 615670.

Submission:

Baylor-Hopkins Center for Mendelian Genomics, Johns Hopkins University School of Medicine
Classification: Pathogenic for LZTR1-related schwannomatosis. Review status: criteria provided, single submitter. Criteria: ACMG Guidelines, 2015. Collection method: research. Allele origin: germline. Affected: yes. Observed: 1 variant allele, 1 heterozygote.